The following is an entry in ClinVar:

ClinVar aggregate classification (germline): Likely benign (0 of 4 stars; one submission).

Conditions:
UVSSA-related disorder. Also called: UVSSA-related condition.

Allele frequency attached by ClinVar (database versions not stated): gnomAD 0.00001; gnomAD exomes 0.00001; ExAC 0.00013.
gnomAD v4.1: 23 of 1,613,524 alleles (0.0014%); highest among the groups gnomAD compares: Non-Finnish European, 0.0019%; no homozygotes.

Submission:

PreventionGenetics, part of Exact Sciences
Classification: Likely benign for UVSSA-related condition. Last evaluated: 2019-10-28. Review status: no assertion criteria provided. Collection method: clinical testing. Allele origin: germline.
Comment: This variant is classified as likely benign based on ACMG/AMP sequence variant interpretation guidelines (Richards et al. 2015 PMID: 25741868, with internal and published modifications).

NM_020894.4(UVSSA):c.303C>T (p.Pro101=)

Gene: UVSSA (UV stimulated scaffold protein A; plus strand). Cytogenetic location: 4p16.3.
Variant type: single nucleotide variant.
Coding change: c.303C>T on transcript NM_020894.4 (MANE Select); coding-DNA position 303, C replaced by T.
Protein change: p.Pro101=; no amino-acid change (proline 101 retained).
Molecular consequence: synonymous variant.
Genome position (GRCh38, 1-based): chr4:1,349,728, C>T. VCF-style: chr4-1349728-C-T. GRCh37 (hg19) VCF-style: chr4-1343516-C-T.
Other names: c.303C>T, p.Pro101= (NM_001317934.2, NM_001317935.2).
Identifiers: ClinVar variation 3042840 (VCV003042840.2), dbSNP rs764457551, ClinGen allele CA2805566.